The following is an entry in ClinVar:

ClinVar aggregate classification (germline): Uncertain significance (1 of 4 stars; one submission).

Submission:

Dasa
Classification: Uncertain significance. Last evaluated: 2025-03-11. Review status: criteria provided, single submitter. Criteria: DASA Assertion Criteria. Collection method: clinical testing. Allele origin: germline.
Comment: NM_004208.4(AIFM1):c.968-1G>A affects a canonical splice site and is predicted to disrupt normal RNA splicing. This variant is absent from population databases. The currently available literature and clinical evidence are not sufficient to establish a definitive association between this variant and the reported condition. Therefore, this variant is classified as a variant of uncertain significance.

NM_004208.4(AIFM1):c.968-1G>A

Genes: AIFM1 (apoptosis inducing factor mitochondria associated 1; minus strand), RAB33A (RAB33A, member RAS oncogene family; plus strand). Cytogenetic location: Xq26.1.
Variant type: single nucleotide variant.
Coding change: c.968-1G>A on transcript NM_004208.4 (MANE Select); the canonical splice acceptor site of the intron before coding-DNA position 968, G replaced by A.
Molecular consequence: splice acceptor variant. On other transcripts: 5 prime UTR variant (1).
Genome position (GRCh38, 1-based): chrX:130,137,186, C>T on the plus strand (G>A on the coding strand, the complement: AIFM1 is on the minus strand). VCF-style: chrX-130137186-C-T. GRCh37 (hg19) VCF-style: chrX-129271161-C-T.
Other names: c.-51G>A (NM_001130846.4); c.956-1G>A (NM_145812.3); c.*196-1G>A (NM_001130847.4).
Identifiers: ClinVar variation 4882413 (VCV004882413.2).